The following is an entry in ClinVar:

NM_001291415.2(KDM6A):c.2528A>G (p.Asn843Ser)

Gene: KDM6A (lysine demethylase 6A; plus strand). Cytogenetic location: Xp11.3.
Variant type: single nucleotide variant.
Coding change: c.2528A>G on transcript NM_001291415.2 (MANE Select); coding-DNA position 2528, A replaced by G.
Protein change: p.Asn843Ser; replaces asparagine 843 with serine.
Molecular consequence: missense variant. On other transcripts: non-coding transcript variant (1).
Genome position (GRCh38, 1-based): chrX:45,070,027, A>G. VCF-style: chrX-45070027-A-G. GRCh37 (hg19) VCF-style: chrX-44929272-A-G.
Other names: c.2393A>G, p.Asn798Ser (NM_001291416.2, NM_001419811.1); c.2237A>G, p.Asn746Ser (NM_001291417.2); c.2135A>G, p.Asn712Ser (NM_001291418.2, NM_001419815.1); c.1484A>G, p.Asn495Ser (NM_001291421.2); c.2270A>G, p.Asn757Ser (NM_001410742.1, NM_001419814.1); c.2528A>G, p.Asn843Ser (NM_001419809.1); c.2426A>G, p.Asn809Ser (NM_001419810.1, NM_001419813.1); c.2372A>G, p.Asn791Ser (NM_001419812.1, NM_021140.4); short protein forms N495S, N712S, N798S, N843S, N757S, N791S, N809S, N746S.
Identifiers: ClinVar variation 2878268 (VCV002878268.3), dbSNP rs951647317, ClinGen allele CA329050217.

ClinVar aggregate classification (germline): Uncertain significance (1 of 4 stars; one submission).

Conditions:
Kabuki syndrome 2 (KABUK2). Also called: KDM6A-Related Kabuki Syndrome. Identifiers: Orphanet 2322, MedGen C3275495, MONDO:0010465, OMIM 300867.

Allele frequency attached by ClinVar (database versions not stated): gnomAD exomes 0.00001; gnomAD 0.00002; TOPMed 0.00002.
gnomAD v4.1: 8 of 1,209,865 alleles (0.00066%); highest among the groups gnomAD compares: East Asian, 0.003%; no homozygotes.

Submission:

Labcorp Genetics (formerly Invitae), Labcorp
Classification: Uncertain significance for Kabuki syndrome 2. Last evaluated: 2023-12-24. Review status: criteria provided, single submitter. Criteria: Invitae Variant Classification Sherloc (09022015). Collection method: clinical testing. Allele origin: germline.
Comment: This sequence change replaces asparagine, which is neutral and polar, with serine, which is neutral and polar, at codon 791 of the KDM6A protein (p.Asn791Ser). This variant is present in population databases (no rsID available, gnomAD 0.01%), including at least one homozygous and/or hemizygous individual. This variant has not been reported in the literature in individuals affected with KDM6A-related conditions. Advanced modeling of protein sequence and biophysical properties (such as structural, functional, and spatial information, amino acid conservation, physicochemical variation, residue mobility, and thermodynamic stability) performed at Invitae indicates that this missense variant is not expected to disrupt KDM6A protein function with a negative predictive value of 80%. In summary, the available evidence is currently insufficient to determine the role of this variant in disease. Therefore, it has been classified as a Variant of Uncertain Significance.